The following is an entry in ClinVar:

NM_001277115.2(DNAH11):c.12387+4A>C

Gene: DNAH11 (dynein axonemal heavy chain 11; plus strand). Cytogenetic location: 7p15.3.
Variant type: single nucleotide variant.
Coding change: c.12387+4A>C on transcript NM_001277115.2 (MANE Select); 4 bases into the intron after coding-DNA position 12387, A replaced by C.
Molecular consequence: intron variant.
Genome position (GRCh38, 1-based): chr7:21,880,897, A>C. VCF-style: chr7-21880897-A-C. GRCh37 (hg19) VCF-style: chr7-21920515-A-C.
Identifiers: ClinVar variation 1902346 (VCV001902346.2), dbSNP rs1783901380, ClinGen allele CA1693712888.

ClinVar aggregate classification (germline): Uncertain significance (1 of 4 stars; one submission).

Conditions:
Primary ciliary dyskinesia. Also called: Ciliary dyskinesia. Identifiers: Orphanet 244, MedGen C0008780, MONDO:0016575, HP:0012265.

Allele frequency attached by ClinVar (database versions not stated): TOPMed 0.00001.
gnomAD v4.1: 33 of 1,595,108 alleles (0.0021%); highest among the groups gnomAD compares: Non-Finnish European, 0.0026%; no homozygotes.

Submission:

Labcorp Genetics (formerly Invitae), Labcorp
Classification: Uncertain significance for Primary ciliary dyskinesia. Last evaluated: 2022-02-11. Review status: criteria provided, single submitter. Criteria: Invitae Variant Classification Sherloc (09022015). Collection method: clinical testing. Allele origin: germline.
Comment: This sequence change falls in intron 75 of the DNAH11 gene. It does not directly change the encoded amino acid sequence of the DNAH11 protein. It affects a nucleotide within the consensus splice site. This variant is not present in population databases (gnomAD no frequency). This variant has not been reported in the literature in individuals affected with DNAH11-related conditions. Variants that disrupt the consensus splice site are a relatively common cause of aberrant splicing (PMID: 17576681, 9536098). Algorithms developed to predict the effect of sequence changes on RNA splicing suggest that this variant may disrupt the consensus splice site. In summary, the available evidence is currently insufficient to determine the role of this variant in disease. Therefore, it has been classified as a Variant of Uncertain Significance.

Literature cited by the submitters: PubMed 17576681; PubMed 9536098.